The following is an entry in ClinVar:

ClinVar aggregate classification (germline): Benign/Likely benign. Review status: criteria provided, multiple submitters, no conflicts (2 of 4 stars). 4 submissions from 4 submitters: Benign (1); Likely benign (2). 1 of the submissions does not count toward it. Last evaluated 2026-01-15.

Conditions:
DEAF1-related disorder.

Allele frequency attached by ClinVar (database versions not stated): gnomAD exomes 0.00023 and 0.00093; gnomAD 0.00040 and 0.00047; TOPMed 0.00054; ExAC 0.00083; 1000 Genomes Project 30x 0.00125; 1000 Genomes Project 0.00140.
gnomAD v4.1: 431 of 1,613,756 alleles (0.027%); highest among the groups gnomAD compares: East Asian, 0.81%; 7 homozygotes.

Submissions (4):

Labcorp Genetics (formerly Invitae), Labcorp
Classification: Benign. Last evaluated: 2026-01-15. Review status: criteria provided, single submitter. Criteria: Invitae Variant Classification Sherloc (09022015). Collection method: clinical testing. Allele origin: germline.

CeGaT Center for Human Genetics Tuebingen
Classification: Likely benign. Last evaluated: 2025-11-01. Review status: criteria provided, single submitter. Criteria: CeGaT Center For Human Genetics Tuebingen Variant Classification Criteria Version 2. Collection method: clinical testing. Allele origin: germline. Affected: yes. Observed: 1 variant allele.
Comment: DEAF1: BP4, BP7

Blueprint Genetics
Classification: Likely benign. Last evaluated: 2024-09-24. Review status: criteria provided, single submitter. Criteria: ACMG Guidelines, 2015. Collection method: clinical testing. Allele origin: germline.

PreventionGenetics, part of Exact Sciences
Classification: Benign for DEAF1-related condition. Last evaluated: 2020-10-15. Review status: no assertion criteria provided. Collection method: clinical testing. Allele origin: germline. Not counted in ClinVar's aggregate classification.
Comment: This variant is classified as benign based on ACMG/AMP sequence variant interpretation guidelines (Richards et al. 2015 PMID: 25741868, with internal and published modifications).

NM_021008.4(DEAF1):c.1308G>A (p.Ala436=)

Genes: DEAF1 (DEAF1 transcription factor; minus strand), LOC126861109 (BRD4-independent group 4 enhancer GRCh37_chr11:673917-675116; plus strand). Cytogenetic location: 11p15.5.
Variant type: single nucleotide variant.
Coding change: c.1308G>A on transcript NM_021008.4 (MANE Select); coding-DNA position 1308, G replaced by A.
Protein change: p.Ala436=; no amino-acid change (alanine 436 retained).
Molecular consequence: synonymous variant.
Genome position (GRCh38, 1-based): chr11:674,731, C>T on the plus strand (G>A on the coding strand, the complement: DEAF1 is on the minus strand). VCF-style: chr11-674731-C-T. GRCh37 (hg19) VCF-style: chr11-674731-C-T.
Other names: c.1041G>A, p.Ala347= (NM_001293634.2); c.582G>A, p.Ala194= (NM_001367390.1).
Identifiers: ClinVar variation 1601081 (VCV001601081.17), dbSNP rs147839531, ClinGen allele CA5786247.